The following is an entry in ClinVar:

ClinVar aggregate classification (germline): Uncertain significance. Review status: criteria provided, multiple submitters, no conflicts (2 of 4 stars). 2 submissions from 2 submitters: Uncertain significance (2). Last evaluated 2025-07-31.

Conditions:
Hereditary cancer-predisposing syndrome. Also called: Neoplastic Syndromes, Hereditary; Tumor predisposition; Hereditary Cancer Syndrome; Hereditary neoplastic syndrome. Identifiers: Orphanet 140162, MedGen C0027672, MeSH D009386, MONDO:0015356.
Gastrointestinal stromal tumor. Also called: Gastrointestinal stromal tumor, somatic; Gastrointestinal stroma tumor. Identifiers: Orphanet 44890, MedGen C0238198, MeSH D046152, MONDO:0011719, OMIM 606764, HP:0100723.

Submissions (2):

Labcorp Genetics (formerly Invitae), Labcorp
Classification: Uncertain significance for Gastrointestinal stromal tumor. Last evaluated: 2025-07-31. Review status: criteria provided, single submitter. Criteria: Invitae Variant Classification Sherloc (09022015). Collection method: clinical testing. Allele origin: germline.
Comment: This sequence change replaces glutamic acid, which is acidic and polar, with alanine, which is neutral and non-polar, at codon 34 of the PDGFRA protein (p.Glu34Ala). This variant is not present in population databases (gnomAD no frequency). This variant has not been reported in the literature in individuals affected with PDGFRA-related conditions. ClinVar contains an entry for this variant (Variation ID: 3225256). Invitae Evidence Modeling of protein sequence and biophysical properties (such as structural, functional, and spatial information, amino acid conservation, physicochemical variation, residue mobility, and thermodynamic stability) indicates that this missense variant is not expected to disrupt PDGFRA protein function with a negative predictive value of 80%. In summary, the available evidence is currently insufficient to determine the role of this variant in disease. Therefore, it has been classified as a Variant of Uncertain Significance.

Ambry Genetics
Classification: Uncertain significance for Hereditary cancer-predisposing syndrome. Last evaluated: 2024-01-29. Review status: criteria provided, single submitter. Criteria: Ambry Variant Classification Scheme 2023. Collection method: clinical testing. Allele origin: germline.
Comment: The p.E34A variant (also known as c.101A>C), located in coding exon 2 of the PDGFRA gene, results from an A to C substitution at nucleotide position 101. The glutamic acid at codon 34 is replaced by alanine, an amino acid with dissimilar properties. This amino acid position is conserved. In addition, this alteration is predicted to be tolerated by in silico analysis. Based on the available evidence, the clinical significance of this alteration remains unclear.

NM_006206.6(PDGFRA):c.101A>C (p.Glu34Ala)

Gene: PDGFRA (platelet derived growth factor receptor alpha; plus strand). Cytogenetic location: 4q12.
Variant type: single nucleotide variant.
Coding change: c.101A>C on transcript NM_006206.6 (MANE Select); coding-DNA position 101, A replaced by C.
Protein change: p.Glu34Ala; replaces glutamic acid 34 with alanine.
Molecular consequence: missense variant.
Genome position (GRCh38, 1-based): chr4:54,261,146, A>C. VCF-style: chr4-54261146-A-C. GRCh37 (hg19) VCF-style: chr4-55127313-A-C.
Other names: c.101A>C, p.Glu34Ala (NM_001347827.2, NM_001347829.2); c.176A>C, p.Glu59Ala (NM_001347828.2); c.140A>C, p.Glu47Ala (NM_001347830.2); short protein forms E34A, E47A, E59A.
Identifiers: ClinVar variation 3225256 (VCV003225256.2), dbSNP rs2475421452, ClinGen allele CA356888246.